The following is an entry in ClinVar:

ClinVar aggregate classification (germline): Uncertain significance (1 of 4 stars; one submission).

Conditions:
Hereditary cancer-predisposing syndrome. Also called: Neoplastic Syndromes, Hereditary; Hereditary neoplastic syndrome; Tumor predisposition; Hereditary Cancer Syndrome. Identifiers: Orphanet 140162, MedGen C0027672, MeSH D009386, MONDO:0015356.

Submission:

Ambry Genetics
Classification: Uncertain significance for Hereditary cancer-predisposing syndrome. Last evaluated: 2015-07-02. Review status: criteria provided, single submitter. Criteria: Ambry Variant Classification Scheme 2023. Collection method: clinical testing. Allele origin: germline.
Comment: The p.D2720N variant (also known as c.8158G>A), located in coding exon 55 of the ATM gene, results from a G to A substitution at nucleotide position 8158. The aspartic acid at codon 2720 is replaced by asparagine, an amino acid with highly similar properties. This variant was not reported in population based cohorts in the following databases: Database of Single Nucleotide Polymorphisms (dbSNP), NHLBI Exome Sequencing Project (ESP), and 1000 Genomes Project. In the ESP, this variant was not observed in 6499 samples (12998 alleles) with coverage at this position. To date, this alteration has been detected with an allele frequency of approximately 0.002% (greater than 66000 alleles tested) in our clinical cohort. This amino acid position is highly conserved in available vertebrate species. In addition, the in silico prediction for this alteration is inconclusive. Since supporting evidence is limited at this time, the clinical significance of p.D2720N remains unclear.

NM_000051.4(ATM):c.8158G>A (p.Asp2720Asn)

Genes: ATM (ATM serine/threonine kinase; plus strand), C11orf65 (chromosome 11 open reading frame 65; minus strand). Cytogenetic location: 11q22.3.
Variant type: single nucleotide variant.
Coding change: c.8158G>A on transcript NM_000051.4 (MANE Select); coding-DNA position 8158, G replaced by A.
Protein change: p.Asp2720Asn; replaces aspartic acid 2720 with asparagine.
Molecular consequence: missense variant. On other transcripts: intron variant (2).
Genome position (GRCh38, 1-based): chr11:108,335,851, G>A. VCF-style: chr11-108335851-G-A. GRCh37 (hg19) VCF-style: chr11-108206578-G-A.
Other names: c.8158G>A, p.Asp2720Asn (NM_001351834.2); c.641-26780C>T (NM_001330368.2); c.695-559C>T (NM_001351110.2); short protein forms D2720N.
Identifiers: ClinVar variation 232712 (VCV000232712.7), dbSNP rs876659942, ClinGen allele CA10579284.